The following is an entry in ClinVar:

ClinVar aggregate classification (germline): Conflicting classifications of pathogenicity. Review status: criteria provided, conflicting classifications (1 of 4 stars). 6 submissions from 6 submitters: Uncertain significance (1); Likely benign (4). 1 of the submissions does not count toward it. Last evaluated 2023-11-06.

Conditions:
NIPBL-related disorder. Also called: NIPBL-related condition.
Inborn genetic diseases. Identifiers: MedGen C0950123, MeSH D030342.
Cornelia de Lange syndrome 1 (CDLS1). Also called: Brachmann de Lange syndrome; NIPBL-Related Cornelia de Lange Syndrome; TYPUS DEGENERATIVUS AMSTELODAMENSIS. Identifiers: Orphanet 199, MedGen C4551851, MONDO:0007387, OMIM 122470.

Allele frequency attached by ClinVar (database versions not stated): ESP Exome Variant Server 0.00015; 1000 Genomes Project 0.00020; gnomAD 0.00025 and 0.00026; TOPMed 0.00027; 1000 Genomes Project 30x 0.00031; gnomAD exomes 0.00003 and 0.00007; ExAC 0.00008.
gnomAD v4.1: 87 of 1,614,080 alleles (0.0054%); highest among the groups gnomAD compares: African/African-American, 0.097%; no homozygotes.

Submissions (6):

Blueprint Genetics
Classification: Likely benign. Last evaluated: 2023-11-06. Review status: criteria provided, single submitter. Criteria: ACMG Guidelines, 2015. Collection method: clinical testing. Allele origin: germline.

Labcorp Genetics (formerly Invitae), Labcorp
Classification: Likely benign for Cornelia de Lange syndrome 1. Last evaluated: 2023-08-17. Review status: criteria provided, single submitter. Criteria: Invitae Variant Classification Sherloc (09022015). Collection method: clinical testing. Allele origin: germline.

Genome-Nilou Lab
Classification: Likely benign for Cornelia de Lange syndrome 1. Last evaluated: 2021-07-15. Review status: criteria provided, single submitter. Criteria: ACMG Guidelines, 2015. Collection method: clinical testing. Allele origin: germline. Affected: no.

Ambry Genetics
Classification: Likely benign for Inborn genetic diseases. Last evaluated: 2017-07-21. Review status: criteria provided, single submitter. Criteria: Ambry Variant Classification Scheme 2023. Collection method: clinical testing. Allele origin: germline.

Eurofins Ntd Llc (ga)
Classification: Uncertain significance. Last evaluated: 2015-01-17. Review status: criteria provided, single submitter. Criteria: EGL Classification Definitions 2015. Collection method: clinical testing. Allele origin: germline. Observed: 1 variant allele, 1 heterozygote.

PreventionGenetics, part of Exact Sciences
Classification: Likely benign for NIPBL-related condition. Last evaluated: 2022-12-12. Review status: no assertion criteria provided. Collection method: clinical testing. Allele origin: germline. Not counted in ClinVar's aggregate classification.
Comment: This variant is classified as likely benign based on ACMG/AMP sequence variant interpretation guidelines (Richards et al. 2015 PMID: 25741868, with internal and published modifications).

NM_133433.4(NIPBL):c.7728T>C (p.Tyr2576=)

Gene: NIPBL (NIPBL cohesin loading factor; plus strand). Cytogenetic location: 5p13.2.
Variant type: single nucleotide variant.
Coding change: c.7728T>C on transcript NM_133433.4 (MANE Select); coding-DNA position 7728, T replaced by C.
Protein change: p.Tyr2576=; no amino-acid change (tyrosine 2576 retained).
Molecular consequence: synonymous variant.
Genome position (GRCh38, 1-based): chr5:37,060,886, T>C. VCF-style: chr5-37060886-T-C. GRCh37 (hg19) VCF-style: chr5-37060988-T-C.
Other names: c.7728T>C, p.Tyr2576= (NM_015384.5).
Identifiers: ClinVar variation 197533 (VCV000197533.21), dbSNP rs371347218, ClinGen allele CA245753.
Genomic context (GRCh38, chr5:37,060,886, plus strand): 5'-TTTGTTTTCCCAAAACAGTAAAATTCAGAAGTACTCTCCATCTGAATCTGCAAAAGTATA[T>C]GATAAAGCGATAAACCGAAAAACAGGAGTTCATTTTCATCCAAAACAAACACTGGACTTC-3'
Protein context (NP_597677.2, residues 2566-2586): KYSPSESAKV[Tyr2576=]DKAINRKTGV